The following is an entry in ClinVar:

NM_000371.4(TTR):c.218G>A (p.Gly73Glu)

Gene: TTR (transthyretin; plus strand). Cytogenetic location: 18q12.1.
Variant type: single nucleotide variant.
Coding change: c.218G>A on transcript NM_000371.4 (MANE Select); coding-DNA position 218, G replaced by A.
Protein change: p.Gly73Glu; replaces glycine 73 with glutamic acid.
Molecular consequence: missense variant.
Genome position (GRCh38, 1-based): chr18:31,595,137, G>A. VCF-style: chr18-31595137-G-A. GRCh37 (hg19) VCF-style: chr18-29175100-G-A.
Other names: G53E; c.218G>A (NM_000371.3); short protein forms G73E.
Identifiers: ClinVar variation 13462 (VCV000013462.3), dbSNP rs121918097, ClinGen allele CA123112.
Genomic context (GRCh38, chr18:31,595,137, plus strand): 5'-TTTCCTCCATGCGTAACTTAATCCAGACTTTCACACCTTATAGGAAAACCAGTGAGTCTG[G>A]AGAGCTGCATGGGCTCACAACTGAGGAGGAATTTGTAGAAGGGATATACAAAGTGGAAAT-3'
Protein context (NP_000362.1, residues 63-83): PFASGKTSES[Gly73Glu]ELHGLTTEEE

ClinVar aggregate classification (germline): Pathogenic. Review status: criteria provided, single submitter (1 of 4 stars). 2 submissions from 2 submitters: Pathogenic (1). 1 of the submissions does not count toward it. Last evaluated 2025-05-27.

Conditions:
Amyloidosis, hereditary systemic 1 (AMYLD1). Also called: Transthyretin Amyloidosis; Hereditary Transthyretin Amyloidosis; Isolated Cardiac Amyloidosis; Amyloid Cardiomyopathy, Transthyretin-related; Familial amyloid polyneuropathy; Hereditary oculoleptomeningeal amyloid angiopathy. Identifiers: Orphanet 85447, Orphanet 85451, MedGen C2751492, MONDO:0971004, OMIM 105210.

Submissions (2):

Athena Diagnostics
Classification: Pathogenic. Last evaluated: 2025-05-27. Review status: criteria provided, single submitter. Criteria: Athena Diagnostics Criteria. Collection method: clinical testing. Allele origin: unknown.
Comment: This variant has not been reported in large, multi-ethnic general populations. This variant has been identified in multiple unrelated individuals with transthyretin-related amyloidosis. Multiple missense variants at this codon have been reported in individuals with clinical features associated with this gene. At least one of those variants is considered to be pathogenic or likely pathogenic, suggesting this variant also causes disease. In some published literature, this variant is referred to as Gly53Glu. Assessment of experimental evidence suggests this variant results in abnormal protein function. (PMID: 15820680)

OMIM
Classification: Pathogenic for AMYLOIDOSIS, HEREDITARY SYSTEMIC 1. Last evaluated: 2001-07-10. Review status: no assertion criteria provided. Collection method: literature only. Allele origin: germline. Not counted in ClinVar's aggregate classification.

Literature cited by the submitters: PubMed 11445644 (cited by Athena Diagnostics and OMIM); PubMed 15820680 (cited by Athena Diagnostics); PubMed 31718691 (cited by Athena Diagnostics); PubMed 16194874 (cited by Athena Diagnostics); PubMed 27238058 (cited by Athena Diagnostics); PubMed 29177547 (cited by Athena Diagnostics); PubMed 30328212 (cited by Athena Diagnostics); PubMed 31343314 (cited by Athena Diagnostics).